The following is an entry in ClinVar:

NM_000275.3(OCA2):c.2360C>T (p.Ala787Val)

Gene: OCA2 (OCA2 melanosomal transmembrane protein; minus strand). Cytogenetic location: 15q13.1.
Variant type: single nucleotide variant.
Coding change: c.2360C>T on transcript NM_000275.3 (MANE Select); coding-DNA position 2360, C replaced by T.
Protein change: p.Ala787Val; replaces alanine 787 with valine.
Molecular consequence: missense variant.
Genome position (GRCh38, 1-based): chr15:27,845,031, G>A on the plus strand (C>T on the coding strand, the complement: OCA2 is on the minus strand). VCF-style: chr15-27845031-G-A. GRCh37 (hg19) VCF-style: chr15-28090177-G-A.
Other names: c.2288C>T, p.Ala763Val (NM_001300984.2); short protein forms A787V, A763V.
Identifiers: ClinVar variation 617810 (VCV000617810.64), dbSNP rs200457227, ClinGen allele CA7438597.
Genomic context (GRCh38, chr15:27,845,031, plus strand): 5'-ATGAAGGAGAACCCATATCCATGCTGTTCTGCAATCCCTGCACACACGACGTTTGCCGAC[G>A]CGCCAATCAGTGTCCCGTTACCTAAAGTCAAAATTTAAAAACAAAATCCCAGTTCATCTT-3'
Protein context (NP_000266.2, residues 777-797): CLGGNGTLIG[Ala787Val]SANVVCAGIA

ClinVar aggregate classification (germline): Pathogenic/Likely pathogenic. Review status: criteria provided, multiple submitters, no conflicts (2 of 4 stars). 16 submissions from 16 submitters: Pathogenic (9); Likely pathogenic (4). 3 of the submissions do not count toward it. Last evaluated 2026-01-06.

Conditions:
SKIN/HAIR/EYE PIGMENTATION 1, BLUE/NONBLUE EYES (SHEP1). Also called: SKIN/HAIR/EYE PIGMENTATION 1, BLOND/BROWN HAIR; SKIN/HAIR/EYE PIGMENTATION 1, BLUE/BROWN EYES; BROWN EYE COLOR 2; EYE COLOR 3; EYE COLOR, BLUE/NONBLUE; EYE COLOR, BROWN/BLUE. Identifiers: MedGen C1856895, OMIM 227220.
Tyrosinase-positive oculocutaneous albinism (OCA2). Also called: Oculocutaneous albinism type 2; Albinism, oculocutaneous, type II; ALBINISM II. Identifiers: Orphanet 79432, MedGen C0268495, MONDO:0008746, OMIM 203200.
OCA2-related disorder. Also called: OCA2-related condition.
Nonsyndromic Oculocutaneous Albinism.

Allele frequency attached by ClinVar (database versions not stated): ExAC 0.00002; gnomAD exomes 0.00002; gnomAD 0.00004; TOPMed 0.00006.
gnomAD v4.1: 30 of 1,613,640 alleles (0.0019%); highest among the groups gnomAD compares: Admixed American, 0.0067%; no homozygotes.

Submissions (16):

Labcorp Genetics (formerly Invitae), Labcorp
Classification: Pathogenic. Last evaluated: 2026-01-06. Review status: criteria provided, single submitter. Criteria: Invitae Variant Classification Sherloc (09022015). Collection method: clinical testing. Allele origin: germline.
Comment: This sequence change replaces alanine, which is neutral and non-polar, with valine, which is neutral and non-polar, at codon 787 of the OCA2 protein (p.Ala787Val). This variant is present in population databases (rs200457227, gnomAD 0.01%). This missense change has been observed in individual(s) with oculocutaneous albinism (PMID: 20861488, 23744323, 26165494). In at least one individual the data is consistent with being in trans (on the opposite chromosome) from a pathogenic variant. ClinVar contains an entry for this variant (Variation ID: 617810). Invitae Evidence Modeling of protein sequence and biophysical properties (such as structural, functional, and spatial information, amino acid conservation, physicochemical variation, residue mobility, and thermodynamic stability) indicates that this missense variant is expected to disrupt OCA2 protein function with a positive predictive value of 80%. This variant disrupts the p.Ala787 amino acid residue in OCA2. Other variant(s) that disrupt this residue have been observed in individuals with OCA2-related conditions (PMID: 22734612), which suggests that this may be a clinically significant amino acid residue. For these reasons, this variant has been classified as Pathogenic.

Dasa
Classification: Pathogenic. Last evaluated: 2025-03-09. Review status: criteria provided, single submitter. Criteria: DASA Assertion Criteria. Collection method: clinical testing. Allele origin: germline.
Comment: NM_000275.3(OCA2):c.2360C>T (p.Ala787Val) is a missense variant that results in the substitution of alanine with valine. This variant has been recurrently observed in individuals with related phenotype (PMID: 20861488; PMID: 23744323; PMID: 36116698). Multiple computational predictions support a deleterious effect on the gene or gene product. The variant is present at low frequency in population datasets. Based on the available data, this variant is classified as pathogenic.

3billion
Classification: Pathogenic for Tyrosinase-positive oculocutaneous albinism. Last evaluated: 2025-01-09. Review status: criteria provided, single submitter. Criteria: ACMG Guidelines, 2015. Collection method: clinical testing. Allele origin: germline. Affected: yes.
Comment: The variant is observed at an extremely low frequency in the gnomAD v4.1.0 dataset (total allele frequency: 0.002%). Predicted Consequence/Location: Missense variant In silico tool predictions suggest damaging effect of the variant on gene or gene product [REVEL: 0.90 (>=0.6, sensitivity 0.68 and specificity 0.92); 3Cnet: 0.93 (>=0.6, sensitivity 0.72 and precision 0.9)]. The same nucleotide change resulting in the same amino acid change has been previously reported as pathogenic/likely pathogenic with strong evidence (ClinVar ID: VCV000617810 /PMID: 10671067 /3billion dataset). The variant has been reported to be in trans with a pathogenic variant as either compound heterozygous or homozygous in at least one similarly affected unrelated individual (PMID: 20861488). Different missense changes at the same codon (p.Ala787Glu, p.Ala787Thr) have been reported as pathogenic/likely pathogenic with strong evidence (ClinVar ID: VCV000617809, VCV000803060 /PMID: 17160937, 28266639 /3billion dataset). Therefore, this variant is classified as Pathogenic according to the recommendation of ACMG/AMP guideline.

GeneDx
Classification: Pathogenic. Last evaluated: 2024-07-09. Review status: criteria provided, single submitter. Criteria: GeneDx Variant Classification Process June 2021. Collection method: clinical testing. Allele origin: germline. Affected: yes.
Comment: In silico analysis supports that this missense variant has a deleterious effect on protein structure/function; This variant is associated with the following publications: (PMID: 10671067, 22734612, Vijayalakshmi2016[Computational], 10671066, 20861488, 26165494, 23744323, 34838614, 36116698, 35741834, 28266639, 20426782, 29345414, 28976636, 32969595)

Fulgent Genetics
Classification: Likely pathogenic for Tyrosinase-positive oculocutaneous albinism; SKIN/HAIR/EYE PIGMENTATION 1, BLUE/NONBLUE EYES. Last evaluated: 2024-03-20. Review status: criteria provided, single submitter. Criteria: ACMG Guidelines, 2015. Collection method: clinical testing. Allele origin: germline.

Baylor Genetics
Classification: Pathogenic for SKIN/HAIR/EYE PIGMENTATION 1, BLUE/NONBLUE EYES. Last evaluated: 2024-03-19. Review status: criteria provided, single submitter. Criteria: ACMG Guidelines, 2015. Collection method: clinical testing. Allele origin: unknown.

Blueprint Genetics
Classification: Pathogenic for OCA2-related disorders. Last evaluated: 2023-06-07. Review status: criteria provided, single submitter. Criteria: ACMG Guidelines, 2015. Collection method: clinical testing. Allele origin: germline. Affected: yes. Observed: 5 variant alleles.

Department of Pathology and Laboratory Medicine, Sinai Health System
Classification: Likely pathogenic for Tyrosinase-positive oculocutaneous albinism. Last evaluated: 2023-02-08. Review status: criteria provided, single submitter. Criteria: ACMG Guidelines, 2015. Collection method: research. Allele origin: germline.

Centre for Human Genetics, University of Kinshasa
Classification: Pathogenic for Tyrosinase-positive oculocutaneous albinism. Last evaluated: 2022-08-06. Review status: criteria provided, single submitter. Criteria: ACMG Guidelines, 2015. Collection method: clinical testing. Allele origin: germline. Inheritance: Autosomal recessive inheritance. Affected: yes. Observed: 1 variant allele.
Comment: This missense variant replaces a conserved Alanine residue with a Valine. This change is predicted damaging by the vast majority of prediction algorithms. This variant is very rare with no homozygous in gnomAD (AF: 0.0000239), was submitted to ClinVar by multiple submitters without conflicting interpretation (VCV000617810.16), and is mentioned in multiple publications. Previous ClinVar submissions contain information regarding functional analysis supporting the pathogenic effect of this variant. Segregation analysis was not performed to unequivocally establish co-segregation with the 2.7 deletion. This variant was classified as pathogenic according to the ACMG guidelines

MGZ Medical Genetics Center
Classification: Pathogenic for Tyrosinase-positive oculocutaneous albinism. Last evaluated: 2022-07-12. Review status: criteria provided, single submitter. Criteria: ACMG Guidelines, 2015. Collection method: clinical testing. Allele origin: germline. Affected: yes. Observed: 1 variant allele.
Comment: ACMG criteria applied: PM5_STR, PM3, PS4_SUP, PM2_SUP, PP3, PP4

Genome-Nilou Lab
Classification: Likely pathogenic for Tyrosinase-positive oculocutaneous albinism. Last evaluated: 2021-11-07. Review status: criteria provided, single submitter. Criteria: ACMG Guidelines, 2015. Collection method: clinical testing. Allele origin: germline. Affected: no.

CeGaT Center for Human Genetics Tuebingen
Classification: Pathogenic. Last evaluated: 2020-03-01. Review status: criteria provided, single submitter. Criteria: CeGaT Center For Human Genetics Tuebingen Variant Classification Criteria Version 2. Collection method: clinical testing. Allele origin: germline. Affected: yes. Observed: 3 variant alleles.

Baylor-Hopkins Center for Mendelian Genomics, Johns Hopkins University School of Medicine
Classification: Likely pathogenic for Tyrosinase-positive oculocutaneous albinism. Review status: criteria provided, single submitter. Criteria: ACMG Guidelines, 2015. Collection method: research. Allele origin: germline. Affected: yes. Observed: 3 variant alleles, 3 homozygotes.

PreventionGenetics, part of Exact Sciences
Classification: Likely pathogenic for OCA2-related condition. Last evaluated: 2024-03-22. Review status: no assertion criteria provided. Collection method: clinical testing. Allele origin: germline. Not counted in ClinVar's aggregate classification.
Comment: The OCA2 c.2360C>T variant is predicted to result in the amino acid substitution p.Ala787Val. This variant has been reported as causative for autosomal recessive oculocutaneous albinism (Oetting et al. 1998. PubMed ID: 10671067; Wei et al. 2015. PubMed ID: 26165494; Shahzad et al. 2017. PubMed ID: 28266639). Alternate substitutions of this amino acid (p.Ala787Glu and p.Ala787Thr) have been reported in individuals with oculocutaneous albinism (Shahzad et al. 2017. PubMed ID: 28266639; Marti et al. 2017. PubMed ID: 28976636). This variant is reported in 0.012% of alleles in individuals of African descent in gnomAD. Given the evidence, we interpret this variant as likely pathogenic.

University of Washington Center for Mendelian Genomics, University of Washington
Classification: Likely pathogenic for Nonsyndromic Oculocutaneous Albinism. Last evaluated: 2017-03-07. Review status: no assertion criteria provided. Collection method: research. Allele origin: unknown. Affected: yes. Observed: 1 homozygote. Not counted in ClinVar's aggregate classification.

Laboratory of Genetic Epidemiology, Research Centre for Medical Genetics
Classification: Uncertain significance for SKIN/HAIR/EYE PIGMENTATION 1, BLUE/NONBLUE EYES; Tyrosinase-positive oculocutaneous albinism. Last evaluated: 2025-01-01. Review status: flagged submission. Criteria: ACMG Guidelines, 2015. Collection method: clinical testing. Allele origin: unknown. Inheritance: Autosomal recessive inheritance. Affected: yes. Observed: 1 variant allele, 1 heterozygote. Not counted in ClinVar's aggregate classification.
Comment: This variant has been previously reported in the literature (PMIDs: 10671067, 34838614) and is listed in gnomAD v3.1.2 with allele frequency 0.00002 in Europe (2/68006). The affected amino acid position is evolutionarily conserved, and multiple in silico prediction tools support a deleterious effect. Taken together, the variant meets the following ACMG/AMP criteria and can be classified as uncertain significance with PM2, PP5, PP4 criteria.
ClinVar note: Reason: Outlier claim with insufficient supporting evidence

Literature cited by the submitters: PubMed 20861488 (cited by 3 submitters); PubMed 23744323 (cited by Labcorp Genetics (formerly Invitae), Labcorp and Dasa); PubMed 26165494 (cited by Labcorp Genetics (formerly Invitae), Labcorp); PubMed 22734612 (cited by Labcorp Genetics (formerly Invitae), Labcorp); PubMed 36116698 (cited by Dasa); PubMed 17160937 (cited by 3billion); PubMed 10671067 (cited by 3billion and Laboratory of Genetic Epidemiology, Research Centre for Medical Genetics); PubMed 28266639 (cited by University of Washington Center for Mendelian Genomics, University of Washington); PubMed 34838614 (cited by Laboratory of Genetic Epidemiology, Research Centre for Medical Genetics); PubMed 41428507 (cited by Laboratory of Genetic Epidemiology, Research Centre for Medical Genetics).